The following is an entry in ClinVar:

ClinVar aggregate classification (germline): Uncertain significance (1 of 4 stars; one submission).

Conditions:
Combined immunodeficiency due to LRBA deficiency. Also called: Common variable immunodeficiency 8, with autoimmunity. Identifiers: Orphanet 445018, MedGen C3553512, MONDO:0013863, OMIM 614700.

Allele frequency attached by ClinVar (database versions not stated): gnomAD exomes below 0.00001 and 0.00001; TOPMed below 0.00001; ExAC 0.00001.
gnomAD v4.1: 9 of 1,614,010 alleles (0.00056%); highest among the groups gnomAD compares: South Asian, 0.0011%; no homozygotes.

Submission:

Labcorp Genetics (formerly Invitae), Labcorp
Classification: Uncertain significance for Combined immunodeficiency due to LRBA deficiency. Last evaluated: 2021-03-10. Review status: criteria provided, single submitter. Criteria: Invitae Variant Classification Sherloc (09022015). Collection method: clinical testing. Allele origin: germline.
Comment: This sequence change replaces arginine with tryptophan at codon 1990 of the LRBA protein (p.Arg1990Trp). The arginine residue is moderately conserved and there is a moderate physicochemical difference between arginine and tryptophan. This variant is present in population databases (rs757583824, ExAC 0.006%). This variant has not been reported in the literature in individuals with LRBA-related conditions. Algorithms developed to predict the effect of missense changes on protein structure and function are either unavailable or do not agree on the potential impact of this missense change (SIFT: "Deleterious"; PolyPhen-2: "Probably Damaging"; Align-GVGD: "Class C0"). In summary, the available evidence is currently insufficient to determine the role of this variant in disease. Therefore, it has been classified as a Variant of Uncertain Significance.

NM_001364905.1(LRBA):c.5968C>T (p.Arg1990Trp)

Gene: LRBA (LPS responsive beige-like anchor protein; minus strand). Cytogenetic location: 4q31.3.
Variant type: single nucleotide variant.
Coding change: c.5968C>T on transcript NM_001364905.1 (MANE Select); coding-DNA position 5968, C replaced by T.
Protein change: p.Arg1990Trp; replaces arginine 1990 with tryptophan.
Molecular consequence: missense variant.
Genome position (GRCh38, 1-based): chr4:150,599,085, G>A on the plus strand (C>T on the coding strand, the complement: LRBA is on the minus strand). VCF-style: chr4-150599085-G-A. GRCh37 (hg19) VCF-style: chr4-151520237-G-A.
Other names: c.5968C>T, p.Arg1990Trp (NM_001199282.3, NM_001367550.1, NM_006726.5); short protein forms R1990W.
Identifiers: ClinVar variation 1506174 (VCV001506174.8), dbSNP rs757583824, ClinGen allele CA3102289.